The following is an entry in ClinVar:

NM_015331.3(NCSTN):c.1229C>T (p.Ala410Val)

Gene: NCSTN (nicastrin; plus strand). Cytogenetic location: 1q23.2.
Variant type: single nucleotide variant.
Coding change: c.1229C>T on transcript NM_015331.3 (MANE Select); coding-DNA position 1229, C replaced by T.
Protein change: p.Ala410Val; replaces alanine 410 with valine.
Molecular consequence: missense variant.
Genome position (GRCh38, 1-based): chr1:160,354,167, C>T. VCF-style: chr1-160354167-C-T. GRCh37 (hg19) VCF-style: chr1-160323957-C-T.
Other names: c.1169C>T, p.Ala390Val (NM_001290184.2); c.815C>T, p.Ala272Val (NM_001290186.2); c.1229C>T, p.Ala410Val (NM_001349729.2); short protein forms A390V, A410V, A272V.
Identifiers: ClinVar variation 1464366 (VCV001464366.6), dbSNP rs147225198, ClinGen allele CA1198943.

ClinVar aggregate classification (germline): Uncertain significance (1 of 4 stars; one submission).

Allele frequency attached by ClinVar (database versions not stated): gnomAD exomes 0.00015; TOPMed 0.00016; gnomAD 0.00019 and 0.00020; ExAC 0.00020; ESP Exome Variant Server 0.00031.
gnomAD v4.1: 343 of 1,614,056 alleles (0.021%); highest among the groups gnomAD compares: Non-Finnish European, 0.026%; no homozygotes.

Submission:

Labcorp Genetics (formerly Invitae), Labcorp
Classification: Uncertain significance. Last evaluated: 2025-08-22. Review status: criteria provided, single submitter. Criteria: Invitae Variant Classification Sherloc (09022015). Collection method: clinical testing. Allele origin: germline.
Comment: This sequence change replaces alanine, which is neutral and non-polar, with valine, which is neutral and non-polar, at codon 410 of the NCSTN protein (p.Ala410Val). This variant is present in population databases (rs147225198, gnomAD 0.03%), and has an allele count higher than expected for a pathogenic variant. This missense change has been observed in individual(s) with hidradenitis suppurativa (PMID: 26879264, 30544224). ClinVar contains an entry for this variant (Variation ID: 1464366). An algorithm developed to predict the effect of missense changes on protein structure and function (PolyPhen-2) suggests that this variant is likely to be tolerated. In summary, the available evidence is currently insufficient to determine the role of this variant in disease. Therefore, it has been classified as a Variant of Uncertain Significance.

Literature cited by the submitters: PubMed 26879264; PubMed 30544224.